The following is an entry in ClinVar:

NM_032776.3(JMJD1C):c.3185A>G (p.His1062Arg)

Gene: JMJD1C (jumonji domain containing 1C; minus strand). Cytogenetic location: 10q21.3.
Variant type: single nucleotide variant.
Coding change: c.3185A>G on transcript NM_032776.3 (MANE Select); coding-DNA position 3185, A replaced by G.
Protein change: p.His1062Arg; replaces histidine 1062 with arginine.
Molecular consequence: missense variant. On other transcripts: non-coding transcript variant (1).
Genome position (GRCh38, 1-based): chr10:63,208,484, T>C on the plus strand (A>G on the coding strand, the complement: JMJD1C is on the minus strand). VCF-style: chr10-63208484-T-C. GRCh37 (hg19) VCF-style: chr10-64968244-T-C.
Other names: c.2639A>G, p.His880Arg (NM_001282948.2, NM_001318154.2); c.2321A>G, p.His774Arg (NM_001318153.2); c.3071A>G, p.His1024Arg (NM_001322252.2); c.2528A>G, p.His843Arg (NM_001322254.2, NM_001322258.2); short protein forms H1024R, H1062R, H880R, H843R, H774R.
Identifiers: ClinVar variation 967338 (VCV000967338.9), dbSNP rs368586997, ClinGen allele CA5518477.

ClinVar aggregate classification (germline): Uncertain significance (1 of 4 stars; one submission).

Conditions:
Early Myoclonic Encephalopathy. Identifiers: MedGen C0270855.

Allele frequency attached by ClinVar (database versions not stated): gnomAD exomes below 0.00001 and 0.00002; ExAC 0.00001; TOPMed 0.00002; gnomAD 0.00001; ESP Exome Variant Server 0.00008.
gnomAD v4.1: 26 of 1,613,946 alleles (0.0016%); highest among the groups gnomAD compares: Non-Finnish European, 0.0019%; no homozygotes.

Submission:

Labcorp Genetics (formerly Invitae), Labcorp
Classification: Uncertain significance for Early Myoclonic Encephalopathy. Last evaluated: 2024-10-15. Review status: criteria provided, single submitter. Criteria: Invitae Variant Classification Sherloc (09022015). Collection method: clinical testing. Allele origin: germline.
Comment: This sequence change replaces histidine, which is basic and polar, with arginine, which is basic and polar, at codon 1062 of the JMJD1C protein (p.His1062Arg). This variant is present in population databases (rs368586997, gnomAD 0.002%). This variant has not been reported in the literature in individuals affected with JMJD1C-related conditions. ClinVar contains an entry for this variant (Variation ID: 967338). Invitae Evidence Modeling of protein sequence and biophysical properties (such as structural, functional, and spatial information, amino acid conservation, physicochemical variation, residue mobility, and thermodynamic stability) indicates that this missense variant is not expected to disrupt JMJD1C protein function with a negative predictive value of 80%. In summary, the available evidence is currently insufficient to determine the role of this variant in disease. Therefore, it has been classified as a Variant of Uncertain Significance.